The following is an entry in ClinVar:

NM_014009.4(FOXP3):c.398C>T (p.Pro133Leu)

Gene: FOXP3 (forkhead box P3; minus strand). Cytogenetic location: Xp11.23.
Variant type: single nucleotide variant.
Coding change: c.398C>T on transcript NM_014009.4 (MANE Select); coding-DNA position 398, C replaced by T.
Protein change: p.Pro133Leu; replaces proline 133 with leucine.
Molecular consequence: missense variant.
Genome position (GRCh38, 1-based): chrX:49,257,483, G>A on the plus strand (C>T on the coding strand, the complement: FOXP3 is on the minus strand). VCF-style: chrX-49257483-G-A. GRCh37 (hg19) VCF-style: chrX-49113940-G-A.
Other names: c.293C>T, p.Pro98Leu (NM_001114377.2); short protein forms P133L, P98L.
Identifiers: ClinVar variation 268095 (VCV000268095.3), dbSNP rs782511378, ClinGen allele CA10411813.

ClinVar aggregate classification (germline): Conflicting classifications of pathogenicity. Review status: criteria provided, conflicting classifications (1 of 4 stars). 2 submissions from 2 submitters: Likely pathogenic (1); Uncertain significance (1). Last evaluated 2024-08-15.

Conditions:
Diabetes mellitus type 1 (T1D). Also called: Type I diabetes mellitus; Diabetes Mellitus, Juvenile-Onset. Identifiers: MedGen C0011854, MONDO:0005147, OMIM 222100, HP:0100651.

Allele frequency attached by ClinVar (database versions not stated): gnomAD exomes 0.00001 and 0.00002; TOPMed 0.00003; ExAC 0.00004; gnomAD 0.00001.
gnomAD v4.1: 3 of 1,148,644 alleles (0.00026%); highest among the groups gnomAD compares: East Asian, 0.0091%; no homozygotes.

Submissions (2):

Women's Health and Genetics/Laboratory Corporation of America, LabCorp
Classification: Uncertain significance. Last evaluated: 2024-08-15. Review status: criteria provided, single submitter. Criteria: LabCorp Variant Classification Summary - May 2015. Collection method: clinical testing. Allele origin: germline.
Comment: Variant summary: FOXP3 c.398C>T (p.Pro133Leu) results in a non-conservative amino acid change in the encoded protein sequence. Four of five in-silico tools predict a damaging effect of the variant on protein function. The variant allele was found at a frequency of 2.2e-05 in 133709 control chromosomes. The available data on variant occurrences in the general population are insufficient to allow any conclusion about variant significance. To our knowledge, no occurrence of c.398C>T in individuals affected with Insulin-Dependent Diabetes Mellitus Secretory Diarrhea Syndrome and no experimental evidence demonstrating its impact on protein function have been reported. ClinVar contains an entry for this variant (Variation ID: 268095). Based on the evidence outlined above, the variant was classified as uncertain significance.

Shenzhen Institute of Pediatrics, Shenzhen Children's Hospital
Classification: Likely pathogenic for Diabetes mellitus type 1. Last evaluated: 2016-08-15. Review status: criteria provided, single submitter. Criteria: ACMG Guidelines, 2015. Collection method: clinical testing. Allele origin: unknown. Inheritance: X-linked recessive inheritance. Affected: yes. Observed: 1 variant allele, 1 hemizygote.